The following is an entry in ClinVar:

NM_016580.4(PCDH12):c.443C>A (p.Ala148Asp)

Genes: PCDH12 (protocadherin 12; minus strand), RNF14 (ring finger protein 14; plus strand). Cytogenetic location: 5q31.3.
Variant type: single nucleotide variant.
Coding change: c.443C>A on transcript NM_016580.4 (MANE Select); coding-DNA position 443, C replaced by A.
Protein change: p.Ala148Asp; replaces alanine 148 with aspartic acid.
Molecular consequence: missense variant.
Genome position (GRCh38, 1-based): chr5:141,957,409, G>T on the plus strand (C>A on the coding strand, the complement: PCDH12 is on the minus strand). VCF-style: chr5-141957409-G-T. GRCh37 (hg19) VCF-style: chr5-141336974-G-T.
Other names: short protein forms A148D.
Identifiers: ClinVar variation 2068077 (VCV002068077.4), dbSNP rs2532558246, ClinGen allele CA361591291.

ClinVar aggregate classification (germline): Uncertain significance (1 of 4 stars; one submission).

Allele frequency attached by ClinVar (database versions not stated): gnomAD exomes below 0.00001.
gnomAD v4.1: 2 of 1,613,380 alleles (0.00012%); highest among the groups gnomAD compares: Non-Finnish European, 0.00017%; no homozygotes.

Submission:

Labcorp Genetics (formerly Invitae), Labcorp
Classification: Uncertain significance. Last evaluated: 2024-10-24. Review status: criteria provided, single submitter. Criteria: Invitae Variant Classification Sherloc (09022015). Collection method: clinical testing. Allele origin: germline.
Comment: This sequence change replaces alanine, which is neutral and non-polar, with aspartic acid, which is acidic and polar, at codon 148 of the PCDH12 protein (p.Ala148Asp). This variant is not present in population databases (gnomAD no frequency). This variant has not been reported in the literature in individuals affected with PCDH12-related conditions. ClinVar contains an entry for this variant (Variation ID: 2068077). Invitae Evidence Modeling of protein sequence and biophysical properties (such as structural, functional, and spatial information, amino acid conservation, physicochemical variation, residue mobility, and thermodynamic stability) indicates that this missense variant is not expected to disrupt PCDH12 protein function with a negative predictive value of 95%. In summary, the available evidence is currently insufficient to determine the role of this variant in disease. Therefore, it has been classified as a Variant of Uncertain Significance.